The following is an entry in ClinVar:

NM_182493.3(MYLK3):c.1202C>A (p.Ser401Tyr)

Gene: MYLK3 (myosin light chain kinase 3; minus strand). Cytogenetic location: 16q11.2.
Variant type: single nucleotide variant.
Coding change: c.1202C>A on transcript NM_182493.3 (MANE Select); coding-DNA position 1202, C replaced by A.
Protein change: p.Ser401Tyr; replaces serine 401 with tyrosine.
Molecular consequence: missense variant.
Genome position (GRCh38, 1-based): chr16:46,732,468, G>T on the plus strand (C>A on the coding strand, the complement: MYLK3 is on the minus strand). VCF-style: chr16-46732468-G-T. GRCh37 (hg19) VCF-style: chr16-46766380-G-T.
Other names: c.179C>A, p.Ser60Tyr (NM_001308301.1); short protein forms S60Y, S401Y.
Identifiers: ClinVar variation 1475031 (VCV001475031.6), dbSNP rs766666069, ClinGen allele CA8038052.

ClinVar aggregate classification (germline): Uncertain significance (1 of 4 stars; one submission).

Allele frequency attached by ClinVar (database versions not stated): ExAC 0.00001; TOPMed 0.00001.

Submission:

Labcorp Genetics (formerly Invitae), Labcorp
Classification: Uncertain significance. Last evaluated: 2025-12-01. Review status: criteria provided, single submitter. Criteria: Invitae Variant Classification Sherloc (09022015). Collection method: clinical testing. Allele origin: germline.
Comment: This sequence change replaces serine, which is neutral and polar, with tyrosine, which is neutral and polar, at codon 401 of the MYLK3 protein (p.Ser401Tyr). This variant is present in population databases (rs766666069, gnomAD 0.006%). This variant has not been reported in the literature in individuals affected with MYLK3-related conditions. ClinVar contains an entry for this variant (Variation ID: 1475031). An algorithm developed to predict the effect of missense changes on protein structure and function (PolyPhen-2) suggests that this variant is likely to be tolerated. In summary, the available evidence is currently insufficient to determine the role of this variant in disease. Therefore, it has been classified as a Variant of Uncertain Significance.